The following is an entry in ClinVar:

NM_203290.4(POLR1C):c.232C>T (p.Arg78Ter)

Gene: POLR1C (RNA polymerase I and III subunit C; plus strand). Cytogenetic location: 6p21.1.
Variant type: single nucleotide variant.
Coding change: c.232C>T on transcript NM_203290.4 (MANE Select); coding-DNA position 232, C replaced by T.
Protein change: p.Arg78Ter; replaces arginine 78 with a stop codon.
Molecular consequence: nonsense.
Genome position (GRCh38, 1-based): chr6:43,519,423, C>T. VCF-style: chr6-43519423-C-T. GRCh37 (hg19) VCF-style: chr6-43487161-C-T.
Other names: c.232C>T, p.Arg78Ter (NM_001318876.2, NM_001363658.2); short protein forms R78*.
Identifiers: ClinVar variation 1368238 (VCV001368238.9), dbSNP rs1793021342, ClinGen allele CA364281375.

ClinVar aggregate classification (germline): Pathogenic/Likely pathogenic. Review status: criteria provided, multiple submitters, no conflicts (2 of 4 stars). 3 submissions from 3 submitters: Pathogenic (2); Likely pathogenic (1). Last evaluated 2022-03-08.

Conditions:
Treacher Collins syndrome 3 (TCS3). Also called: POLR1C-Related Treacher Collins Syndrome. Identifiers: Orphanet 861, MedGen C1855433, MONDO:0009558, OMIM 248390.
Leukodystrophy, hypomyelinating, 11. Identifiers: Orphanet 88637, MedGen C4225305, MONDO:0014666, OMIM 616494.

Allele frequency attached by ClinVar (database versions not stated): gnomAD exomes 0.00001.
gnomAD v4.1: 10 of 1,612,572 alleles (0.00062%); highest among the groups gnomAD compares: South Asian, 0.0011%; no homozygotes.

Submissions (3):

Fulgent Genetics
Classification: Likely pathogenic for Treacher Collins syndrome 3; Leukodystrophy, hypomyelinating, 11. Last evaluated: 2022-03-08. Review status: criteria provided, single submitter. Criteria: ACMG Guidelines, 2015. Collection method: clinical testing. Allele origin: unknown.

Labcorp Genetics (formerly Invitae), Labcorp
Classification: Pathogenic. Last evaluated: 2021-04-13. Review status: criteria provided, single submitter. Criteria: Invitae Variant Classification Sherloc (09022015). Collection method: clinical testing. Allele origin: germline.
Comment: This sequence change creates a premature translational stop signal (p.Arg78*) in the POLR1C gene. It is expected to result in an absent or disrupted protein product. Loss-of-function variants in POLR1C are known to be pathogenic (PMID: 26151409, 32042905). This variant is not present in population databases (ExAC no frequency). For these reasons, this variant has been classified as Pathogenic. This variant has not been reported in the literature in individuals with POLR1C-related conditions.

Genetics and Genomic Medicine Centre, NeuroGen Healthcare, NeuroGen Healthcare
Classification: Pathogenic for Treacher Collins syndrome 3. Last evaluated: 2020-03-05. Review status: criteria provided, single submitter. Criteria: Submitter's publication. Collection method: clinical testing. Allele origin: unknown. Affected: no.

Literature cited by the submitters: PubMed 26151409 (cited by Labcorp Genetics (formerly Invitae), Labcorp); PubMed 32042905 (cited by Labcorp Genetics (formerly Invitae), Labcorp).